The following is an entry in ClinVar:

ClinVar aggregate classification (germline): Uncertain significance (1 of 4 stars; one submission).

Conditions:
Combined oxidative phosphorylation defect type 27. Also called: Combined oxidative phosphorylation deficiency 27. Identifiers: Orphanet 477774, MedGen C5567608, MONDO:0014728, OMIM 616672.

Allele frequency attached by ClinVar (database versions not stated): gnomAD exomes 0.00001 and 0.00002; ExAC 0.00003.
gnomAD v4.1: 14 of 1,612,916 alleles (0.00087%); highest among the groups gnomAD compares: South Asian, 0.015%; no homozygotes.

Submission:

Labcorp Genetics (formerly Invitae), Labcorp
Classification: Uncertain significance for Combined oxidative phosphorylation defect type 27. Last evaluated: 2021-07-23. Review status: criteria provided, single submitter. Criteria: Invitae Variant Classification Sherloc (09022015). Collection method: clinical testing. Allele origin: germline.
Comment: This sequence change replaces lysine with glutamic acid at codon 148 of the CARS2 protein (p.Lys148Glu). The lysine residue is highly conserved and there is a small physicochemical difference between lysine and glutamic acid. This variant is present in population databases (rs763725050, ExAC 0.02%). This variant has not been reported in the literature in individuals affected with CARS2-related conditions. Algorithms developed to predict the effect of missense changes on protein structure and function are either unavailable or do not agree on the potential impact of this missense change (SIFT: "Deleterious"; PolyPhen-2: "Possibly Damaging"; Align-GVGD: "Class C0"). In summary, the available evidence is currently insufficient to determine the role of this variant in disease. Therefore, it has been classified as a Variant of Uncertain Significance.

NM_024537.4(CARS2):c.442A>G (p.Lys148Glu)

Gene: CARS2 (cysteinyl-tRNA synthetase 2, mitochondrial; minus strand). Cytogenetic location: 13q34.
Variant type: single nucleotide variant.
Coding change: c.442A>G on transcript NM_024537.4 (MANE Select); coding-DNA position 442, A replaced by G.
Protein change: p.Lys148Glu; replaces lysine 148 with glutamic acid.
Molecular consequence: missense variant. On other transcripts: 5 prime UTR variant (1), non-coding transcript variant (2).
Genome position (GRCh38, 1-based): chr13:110,687,970, T>C on the plus strand (A>G on the coding strand, the complement: CARS2 is on the minus strand). VCF-style: chr13-110687970-T-C. GRCh37 (hg19) VCF-style: chr13-111340317-T-C.
Other names: c.-558A>G (NM_001352252.2); c.442A>G, p.Lys148Glu (NM_001352253.3); short protein forms K148E.
Identifiers: ClinVar variation 1488846 (VCV001488846.8), dbSNP rs763725050, ClinGen allele CA7052255.